The following is an entry in ClinVar:

ClinVar aggregate classification (germline): Pathogenic (0 of 4 stars; one submission).

Conditions:
Russell-Silver syndrome. Identifiers: Orphanet 813, MedGen C0175693, MONDO:0008394.

Submission:

Center for Human Genetics and Genomic Medicine, Uniklinik Rwth Aachen
Classification: Pathogenic for Russell-Silver syndrome. Review status: no assertion criteria provided. Collection method: clinical testing. Allele origin: unknown. Inheritance: Autosomal dominant inheritance. Affected: yes.
Comment: The duplication of the NSD1 gene has been reported in a Patient with SRS before (Sachwitz et al. 2017). According to the ClinGen and ACMG classfication criteria the duplication was ranked pathogenic.

Literature cited by the submitters: PubMed 27172843.

Single allele

Genes: F12 (coagulation factor XII; minus strand), FGFR4 (fibroblast growth factor receptor 4; plus strand), LMAN2 (lectin, mannose binding 2; minus strand), MXD3 (MAX dimerization protein 3; minus strand), NSD1 (nuclear receptor binding SET domain protein 1; plus strand) and 31 more. Cytogenetic location: 5q35.2-35.3.
Variant type: Duplication.
Identifiers: ClinVar variation 3338422 (VCV003338422.1).